The following is an entry in ClinVar:

ClinVar aggregate classification (germline): Pathogenic. Review status: criteria provided, multiple submitters, no conflicts (2 of 4 stars). 2 submissions from 2 submitters: Pathogenic (2). Last evaluated 2026-02-19.

Conditions:
Multiple congenital exostosis (EXT). Also called: MULTIPLE CARTILAGINOUS EXOSTOSES; Hereditary multiple osteochondromas; Multiple exostoses; Hereditary multiple exostoses; Hereditary multiple exostosis; Multiple osteochondromas. Identifiers: Orphanet 321, MedGen C0015306, MONDO:0005508, HP:0002762.

Submissions (2):

GeneDx
Classification: Pathogenic. Last evaluated: 2026-02-19. Review status: criteria provided, single submitter. Criteria: GeneDx Variant Classification Process June 2021. Collection method: clinical testing. Allele origin: germline.
Comment: Frameshift variant predicted to result in protein truncation or nonsense mediated decay in a gene for which loss of function is a known mechanism of disease; Not observed at significant frequency in large population cohorts (gnomAD); Has not been previously published as pathogenic or benign to our knowledge

Labcorp Genetics (formerly Invitae), Labcorp
Classification: Pathogenic for Multiple congenital exostosis. Last evaluated: 2022-03-13. Review status: criteria provided, single submitter. Criteria: Invitae Variant Classification Sherloc (09022015). Collection method: clinical testing. Allele origin: germline.
Comment: For these reasons, this variant has been classified as Pathogenic. This variant has not been reported in the literature in individuals affected with EXT1-related conditions. This variant is not present in population databases (gnomAD no frequency). This sequence change creates a premature translational stop signal (p.Phe65Serfs*71) in the EXT1 gene. It is expected to result in an absent or disrupted protein product. Loss-of-function variants in EXT1 are known to be pathogenic (PMID: 10679937, 11391482, 19810120).

Literature cited by the submitters: PubMed 10679937 (cited by Labcorp Genetics (formerly Invitae), Labcorp); PubMed 11391482 (cited by Labcorp Genetics (formerly Invitae), Labcorp); PubMed 19810120 (cited by Labcorp Genetics (formerly Invitae), Labcorp).

NM_000127.3(EXT1):c.194del (p.Phe65fs)

Gene: EXT1 (exostosin glycosyltransferase 1; minus strand). Cytogenetic location: 8q24.11.
Variant type: Deletion.
Coding change: c.194del on transcript NM_000127.3 (MANE Select); coding-DNA position 194, one base deleted (T; older notation c.194delT).
Protein change: p.Phe65fs; shifts the reading frame from phenylalanine 65.
Molecular consequence: frameshift variant.
Genome position (GRCh38, 1-based): chr8:118,110,853, A deleted on the plus strand (T on the coding strand, the reverse complement: EXT1 is on the minus strand); the first of 2 consecutive A bases (chr8:118,110,853-118,110,854); deleting either gives the same sequence. VCF-style (leftmost placement, unchanged base first): chr8-118110852-GA-G. GRCh37 (hg19) VCF-style: chr8-119123091-GA-G.
Other names: c.194del (NM_000127.2); c.193delT, p.Phe65Serfs (NM_000127.2); short protein forms F65fs.
Identifiers: ClinVar variation 2111309 (VCV002111309.5), dbSNP rs2488053146, ClinGen allele CA2580078565.